The following is an entry in ClinVar:

ClinVar aggregate classification (germline): Likely benign (1 of 4 stars; one submission).

Submission:

CeGaT Center for Human Genetics Tuebingen
Classification: Likely benign. Last evaluated: 2022-12-01. Review status: criteria provided, single submitter. Criteria: CeGaT Center For Human Genetics Tuebingen Variant Classification Criteria Version 2. Collection method: clinical testing. Allele origin: germline. Affected: yes. Observed: 1 variant allele.
Comment: ANK2: PM2:Supporting, BP4, BP7

NM_001148.6(ANK2):c.2736T>C (p.His912=)

Gene: ANK2 (ankyrin 2; plus strand). Cytogenetic location: 4q26.
Variant type: single nucleotide variant.
Coding change: c.2736T>C on transcript NM_001148.6 (MANE Select); coding-DNA position 2736, T replaced by C.
Protein change: p.His912=; no amino-acid change (histidine 912 retained).
Molecular consequence: synonymous variant.
Genome position (GRCh38, 1-based): chr4:113,317,749, T>C. VCF-style: chr4-113317749-T-C. GRCh37 (hg19) VCF-style: chr4-114238905-T-C.
Other names: c.2637T>C, p.His879= (NM_001354268.2, NM_001354245.2); c.2523T>C, p.His841= (NM_001354269.3); c.2574T>C, p.His858= (NM_001354270.2, NM_001386156.1, NM_001354253.2 and 1 more transcripts); c.2550T>C, p.His850= (NM_001354271.2, NM_001386151.1, NM_001354260.2); c.2670T>C, p.His890= (NM_001354272.2, NM_001386161.1, NM_001354244.2 and 3 more transcripts); c.2535T>C, p.His845= (NM_001354273.2); c.2634T>C, p.His878= (NM_001354274.2, NM_001386142.1, NM_001386154.1); c.2673T>C, p.His891= (NM_001354275.2, NM_001386143.1, NM_001127493.3 and 3 more transcripts); and 17 more.
Identifiers: ClinVar variation 2655035 (VCV002655035.24), dbSNP rs941957205, ClinGen allele CA103815268.